The following is an entry in ClinVar:

NM_000282.4(PCCA):c.602A>T (p.Asp201Val)

Gene: PCCA (propionyl-CoA carboxylase subunit alpha; plus strand). Cytogenetic location: 13q32.3.
Variant type: single nucleotide variant.
Coding change: c.602A>T on transcript NM_000282.4 (MANE Select); coding-DNA position 602, A replaced by T.
Protein change: p.Asp201Val; replaces aspartic acid 201 with valine.
Molecular consequence: missense variant. On other transcripts: 5 prime UTR variant (3), non-coding transcript variant (5).
Genome position (GRCh38, 1-based): chr13:100,235,843, A>T. VCF-style: chr13-100235843-A-T. GRCh37 (hg19) VCF-style: chr13-100888097-A-T.
Other names: c.524A>T, p.Asp175Val (NM_001127692.3, NM_001352607.2, NM_001352608.2); c.602A>T, p.Asp201Val (NM_001178004.2, NM_001352605.2, NM_001352606.2 and 1 more transcripts); c.-265A>T (NM_001352610.2, NM_001352611.2, NM_001352612.2); short protein forms D175V, D201V.
Identifiers: ClinVar variation 2153848 (VCV002153848.2), dbSNP rs1320218271, ClinGen allele CA388693941.

ClinVar aggregate classification (germline): Uncertain significance (1 of 4 stars; one submission).

Conditions:
Propionic acidemia (PROP). Also called: GLYCINEMIA, KETOTIC; HYPERGLYCINEMIA WITH KETOACIDOSIS AND LEUKOPENIA; KETOTIC HYPERGLYCINEMIA. Identifiers: Orphanet 35, MedGen C0268579, MONDO:0011628, OMIM 606054, HP:0003571.

Allele frequency attached by ClinVar (database versions not stated): gnomAD exomes below 0.00001; gnomAD 0.00001; TOPMed 0.00001.
gnomAD v4.1: 6 of 1,605,940 alleles (0.00037%); highest among the groups gnomAD compares: Admixed American, 0.0017%; no homozygotes.

Submission:

Labcorp Genetics (formerly Invitae), Labcorp
Classification: Uncertain significance for Propionic acidemia. Last evaluated: 2025-09-02. Review status: criteria provided, single submitter. Criteria: Invitae Variant Classification Sherloc (09022015). Collection method: clinical testing. Allele origin: germline.
Comment: This sequence change replaces aspartic acid, which is acidic and polar, with valine, which is neutral and non-polar, at codon 201 of the PCCA protein (p.Asp201Val). This variant is present in population databases (no rsID available, gnomAD 0.003%). This variant has not been reported in the literature in individuals affected with PCCA-related conditions. ClinVar contains an entry for this variant (Variation ID: 2153848). An algorithm developed to predict the effect of missense changes on protein structure and function (PolyPhen-2) suggests that this variant is likely to be disruptive. In summary, the available evidence is currently insufficient to determine the role of this variant in disease. Therefore, it has been classified as a Variant of Uncertain Significance.